The following is an entry in ClinVar:

ClinVar aggregate classification (germline): Likely pathogenic (1 of 4 stars; one submission).

gnomAD v4.1: 7 of 1,613,776 alleles (0.00043%); highest among the groups gnomAD compares: Non-Finnish European, 0.00059%; no homozygotes.

Submission:

Labcorp Genetics (formerly Invitae), Labcorp
Classification: Likely pathogenic. Last evaluated: 2024-09-30. Review status: criteria provided, single submitter. Criteria: Invitae Variant Classification Sherloc (09022015). Collection method: clinical testing. Allele origin: germline.
Comment: This sequence change affects an acceptor splice site in intron 7 of the NUBPL gene. It is expected to disrupt RNA splicing. Variants that disrupt the donor or acceptor splice site typically lead to a loss of protein function (PMID: 16199547), and loss-of-function variants in NUBPL are known to be pathogenic (PMID: 23553477, 31917109). This variant is present in population databases (rs775422270, gnomAD 0.004%). This variant has not been reported in the literature in individuals affected with NUBPL-related conditions. Algorithms developed to predict the effect of sequence changes on RNA splicing suggest that this variant may disrupt the consensus splice site. In summary, the currently available evidence indicates that the variant is pathogenic, but additional data are needed to prove that conclusively. Therefore, this variant has been classified as Likely Pathogenic.

Literature cited by the submitters: PubMed 16199547; PubMed 23553477; PubMed 31917109.

NM_025152.3(NUBPL):c.608-1G>C

Gene: NUBPL (NUBP iron-sulfur cluster assembly factor, mitochondrial; plus strand). Cytogenetic location: 14q12.
Variant type: single nucleotide variant.
Coding change: c.608-1G>C on transcript NM_025152.3 (MANE Select); the canonical splice acceptor site of the intron before coding-DNA position 608, G replaced by C.
Molecular consequence: splice acceptor variant.
Genome position (GRCh38, 1-based): chr14:31,826,628, G>C. VCF-style: chr14-31826628-G-C. GRCh37 (hg19) VCF-style: chr14-32295834-G-C.
Other names: c.320-1G>C (NM_001201573.2); c.59-1G>C (NM_001201574.2).
Identifiers: ClinVar variation 3669990 (VCV003669990.2).